The following is an entry in ClinVar:

NM_001039213.4(CEACAM16):c.662-1G>C

Genes: CEACAM16 (CEA cell adhesion molecule 16, tectorial membrane component; plus strand), CEACAM16-AS1 (CEACAM16, CEACAM19 and PVR antisense RNA 1; minus strand). Cytogenetic location: 19q13.32.
Variant type: single nucleotide variant.
Coding change: c.662-1G>C on transcript NM_001039213.4 (MANE Select); the canonical splice acceptor site of the intron before coding-DNA position 662, G replaced by C.
Molecular consequence: splice acceptor variant.
Genome position (GRCh38, 1-based): chr19:44,705,589, G>C. VCF-style: chr19-44705589-G-C. GRCh37 (hg19) VCF-style: chr19-45208859-G-C.
Other names: IVS4AS, G-C, -1.
Identifiers: ClinVar variation 626322 (VCV000626322.2), dbSNP rs1568528171, ClinGen allele CA406290043.

ClinVar aggregate classification (germline): Pathogenic. Review status: criteria provided, single submitter (1 of 4 stars). 2 submissions from 2 submitters: Pathogenic (1). 1 of the submissions does not count toward it.

Conditions:
Hearing loss, autosomal recessive 113. Also called: Deafness, autosomal recessive 113. Identifiers: MedGen C5193079, MONDO:0032732, OMIM 618410.

Submissions (2):

Genetics Research Center, University of Social Welfare and Rehabilitation Sciences
Classification: Pathogenic for Hearing loss, autosomal recessive 113. Review status: criteria provided, single submitter. Criteria: ACMG Guidelines, 2015. Collection method: research. Allele origin: germline. Affected: yes.
Comment: The variant is not present in the gnomAD v2.1.1 dataset and has been previously reported in individual(s) affected with CEACAM16-related hearing loss (PMID:29703829). It has also been observed to segregate with disease in the family. The minigene assay demonstrated that the c.662-1G>C variant activates a cryptic splice site within exon 5, leading to a frameshift in the mRNA. In silico prediction tools support a deleterious effect on mRNA splicing.

OMIM
Classification: Pathogenic for DEAFNESS, AUTOSOMAL RECESSIVE 113. Last evaluated: 2019-04-30. Review status: no assertion criteria provided. Collection method: literature only. Allele origin: germline. Not counted in ClinVar's aggregate classification.

Literature cited by the submitters: PubMed 29703829 (cited by Genetics Research Center, University of Social Welfare and Rehabilitation Sciences and OMIM).